The following is an entry in ClinVar:

ClinVar aggregate classification (germline): Pathogenic (1 of 4 stars; one submission).

Conditions:
Polycystic kidney disease 4 (PKD4). Also called: POLYCYSTIC KIDNEY AND HEPATIC DISEASE 1; POLYCYSTIC KIDNEY DISEASE, INFANTILE, TYPE I; POLYCYSTIC KIDNEY DISEASE 4 WITH OR WITHOUT POLYCYSTIC LIVER DISEASE; PKD3; Autosomal Recessive Polycystic Kidney Disease – PKHD1. Identifiers: MedGen C4540575, MONDO:0033004, OMIM 263200.

Submission:

Myriad Genetics, Inc.
Classification: Pathogenic for Polycystic kidney disease 4. Last evaluated: 2024-07-22. Review status: criteria provided, single submitter. Criteria: Myriad Autosomal Dominant, Autosomal Recessive and X-Linked Classification Criteria (2023). Collection method: clinical testing. Allele origin: unknown.
Comment: NM_138694.3(PKHD1):c.5691delC(N1898Ifs*76) is expected to be pathogenic in the context of autosomal recessive polycystic kidney disease, PKHD1-related. This variant is predicted to lead to an abnormal or absent protein product due to the creation of a premature termination codon in PKHD1, a gene where loss-of-function variants are known to be pathogenic. Please note: this variant was assessed in the context of healthy population screening.

NM_138694.4(PKHD1):c.5691del (p.Asn1898fs)

Gene: PKHD1 (PKHD1 ciliary IPT domain containing fibrocystin/polyductin; minus strand). Cytogenetic location: 6p12.2.
Variant type: Deletion.
Coding change: c.5691del on transcript NM_138694.4 (MANE Select); coding-DNA position 5691, one base deleted (C; older notation c.5691delC).
Protein change: p.Asn1898fs; shifts the reading frame from asparagine 1898.
Molecular consequence: frameshift variant.
Genome position (GRCh38, 1-based): chr6:52,010,369, G deleted on the plus strand (C on the coding strand, the reverse complement: PKHD1 is on the minus strand); the first of 3 consecutive G bases (chr6:52,010,369-52,010,371); deleting any one gives the same sequence. VCF-style (leftmost placement, unchanged base first): chr6-52010368-TG-T. GRCh37 (hg19) VCF-style: chr6-51875166-TG-T.
Other names: c.5691del, p.Asn1898fs (NM_170724.3); short protein forms N1898fs.
Identifiers: ClinVar variation 5013348 (VCV005013348.1).